The following is an entry in ClinVar:

ClinVar aggregate classification (germline): Benign/Likely benign. Review status: criteria provided, multiple submitters, no conflicts (2 of 4 stars). 3 submissions from 3 submitters: Benign (1); Likely benign (2). Last evaluated 2025-06-10.

Conditions:
Chuvash polycythemia. Also called: POLYCYTHEMIA, VHL-DEPENDENT. Identifiers: Orphanet 238557, MedGen C1837915, MONDO:0009892, OMIM 263400.
Von Hippel-Lindau syndrome (VHLS). Also called: von Hippel–Lindau syndrome; VHL syndrome; Von Hippel-Lindau. Identifiers: Orphanet 892, MedGen C0019562, MONDO:0008667, OMIM 193300. Disease mechanism: loss of function.
Hereditary cancer-predisposing syndrome. Also called: Neoplastic Syndromes, Hereditary; Tumor predisposition; Hereditary neoplastic syndrome; Hereditary Cancer Syndrome. Identifiers: Orphanet 140162, MedGen C0027672, MeSH D009386, MONDO:0015356.

Submissions (3):

Myriad Genetics, Inc.
Classification: Benign for Von Hippel-Lindau syndrome. Last evaluated: 2025-06-10. Review status: criteria provided, single submitter. Criteria: Myriad Autosomal Dominant, Autosomal Recessive and X-Linked Classification Criteria (2023). Collection method: clinical testing. Allele origin: unknown.
Comment: This variant is considered benign. This variant is a silent/synonymous amino acid change and it is not expected to impact splicing.

Labcorp Genetics (formerly Invitae), Labcorp
Classification: Likely benign for Von Hippel-Lindau syndrome; Chuvash polycythemia. Last evaluated: 2024-12-07. Review status: criteria provided, single submitter. Criteria: Invitae Variant Classification Sherloc (09022015). Collection method: clinical testing. Allele origin: germline.

Ambry Genetics
Classification: Likely benign for Hereditary cancer-predisposing syndrome. Last evaluated: 2019-01-22. Review status: criteria provided, single submitter. Criteria: Ambry Variant Classification Scheme 2023. Collection method: clinical testing. Allele origin: germline.

NM_000551.4(VHL):c.195G>C (p.Ser65=)

Gene: VHL (von Hippel-Lindau tumor suppressor; plus strand). Cytogenetic location: 3p25.3.
Variant type: single nucleotide variant.
Coding change: c.195G>C on transcript NM_000551.4 (MANE Select); coding-DNA position 195, G replaced by C.
Protein change: p.Ser65=; no amino-acid change (serine 65 retained).
Molecular consequence: synonymous variant.
Genome position (GRCh38, 1-based): chr3:10,142,042, G>C. VCF-style: chr3-10142042-G-C. GRCh37 (hg19) VCF-style: chr3-10183726-G-C.
Other names: c.195G>C, p.Ser65= (NM_001354723.2, NM_198156.3).
Identifiers: ClinVar variation 526693 (VCV000526693.17), dbSNP rs1553619409, ClinGen allele CA432536398.
Genomic context (GRCh38, chr3:10,142,042, plus strand): 5'-GGAGGAACTGGGCGCCGAGGAGGAGATGGAGGCCGGGCGGCCGCGGCCCGTGCTGCGCTC[G>C]GTGAACTCGCGCGAGCCCTCCCAGGTCATCTTCTGCAATCGCAGTCCGCGCGTCGTGCTG-3'
Protein context (NP_000542.1, residues 55-75): EAGRPRPVLR[Ser65=]VNSREPSQVI